The following is an entry in ClinVar:

ClinVar aggregate classification (germline): Uncertain significance (1 of 4 stars; one submission).

Submission:

Labcorp Genetics (formerly Invitae), Labcorp
Classification: Uncertain significance. Last evaluated: 2022-10-28. Review status: criteria provided, single submitter. Criteria: Invitae Variant Classification Sherloc (09022015). Collection method: clinical testing. Allele origin: germline.
Comment: In summary, the available evidence is currently insufficient to determine the role of this variant in disease. Therefore, it has been classified as a Variant of Uncertain Significance. Algorithms developed to predict the effect of sequence changes on RNA splicing suggest that this variant may disrupt the consensus splice site. This sequence change creates a premature translational stop signal (p.Ser23*) in the SULF1 gene. It is expected to result in an absent or disrupted protein product. However, the current clinical and genetic evidence is not sufficient to establish whether loss-of-function variants in SULF1 cause disease. This variant is not present in population databases (gnomAD no frequency). This variant has not been reported in the literature in individuals affected with SULF1-related conditions. ClinVar contains an entry for this variant (Variation ID: 1485720).

NM_001128205.2(SULF1):c.68C>A (p.Ser23Ter)

Gene: SULF1 (sulfatase 1; plus strand). Cytogenetic location: 8q13.2.
Variant type: single nucleotide variant.
Coding change: c.68C>A on transcript NM_001128205.2 (MANE Select); coding-DNA position 68, C replaced by A.
Protein change: p.Ser23Ter; replaces serine 23 with a stop codon.
Molecular consequence: nonsense. On other transcripts: non-coding transcript variant (2).
Genome position (GRCh38, 1-based): chr8:69,564,043, C>A. VCF-style: chr8-69564043-C-A. GRCh37 (hg19) VCF-style: chr8-70476278-C-A.
Other names: c.68C>A, p.Ser23Ter (NM_001128204.2, NM_001128206.2, NM_015170.3); short protein forms S23*.
Identifiers: ClinVar variation 1485720 (VCV001485720.6), dbSNP rs773848473, ClinGen allele CA371228484.